The following is an entry in ClinVar:

ClinVar aggregate classification (germline): Uncertain significance (1 of 4 stars; one submission).

Conditions:
Baller-Gerold syndrome (BGS). Also called: CRANIOSYNOSTOSIS WITH RADIAL DEFECTS. Identifiers: Orphanet 1225, MedGen C0265308, MONDO:0009039, OMIM 218600.

Submission:

Labcorp Genetics (formerly Invitae), Labcorp
Classification: Uncertain significance for Baller-Gerold syndrome. Last evaluated: 2025-09-22. Review status: criteria provided, single submitter. Criteria: Invitae Variant Classification Sherloc (09022015). Collection method: clinical testing. Allele origin: germline.
Comment: This sequence change replaces leucine, which is neutral and non-polar, with valine, which is neutral and non-polar, at codon 935 of the RECQL4 protein (p.Leu935Val). This variant is not present in population databases (gnomAD no frequency). This variant has not been reported in the literature in individuals affected with RECQL4-related conditions. ClinVar contains an entry for this variant (Variation ID: 1436540). Invitae Evidence Modeling of protein sequence and biophysical properties (such as structural, functional, and spatial information, amino acid conservation, physicochemical variation, residue mobility, and thermodynamic stability) indicates that this missense variant is not expected to disrupt RECQL4 protein function with a negative predictive value of 80%. In summary, the available evidence is currently insufficient to determine the role of this variant in disease. Therefore, it has been classified as a Variant of Uncertain Significance.

NM_004260.4(RECQL4):c.2803C>G (p.Leu935Val)

Gene: RECQL4 (RecQ like helicase 4; minus strand). Cytogenetic location: 8q24.3.
Variant type: single nucleotide variant.
Coding change: c.2803C>G on transcript NM_004260.4 (MANE Select); coding-DNA position 2803, C replaced by G.
Protein change: p.Leu935Val; replaces leucine 935 with valine.
Molecular consequence: missense variant.
Genome position (GRCh38, 1-based): chr8:144,512,724, G>C on the plus strand (C>G on the coding strand, the complement: RECQL4 is on the minus strand). VCF-style: chr8-144512724-G-C. GRCh37 (hg19) VCF-style: chr8-145738107-G-C.
Other names: short protein forms L935V.
Identifiers: ClinVar variation 1436540 (VCV001436540.6), dbSNP rs745494721, ClinGen allele CA372674351.